The following is an entry in ClinVar:

ClinVar aggregate classification (germline): Uncertain significance (1 of 4 stars; one submission).

Submission:

Labcorp Genetics (formerly Invitae), Labcorp
Classification: Uncertain significance. Last evaluated: 2021-12-23. Review status: criteria provided, single submitter. Criteria: Invitae Variant Classification Sherloc (09022015). Collection method: clinical testing. Allele origin: germline.
Comment: This variant is not present in population databases (gnomAD no frequency). In summary, the available evidence is currently insufficient to determine the role of this variant in disease. Therefore, it has been classified as a Variant of Uncertain Significance. Experimental studies and prediction algorithms are not available or were not evaluated, and the functional significance of this variant is currently unknown. This missense change has been observed in individual(s) with NR2E3-related conditions (PMID: 19718767). This sequence change replaces alanine, which is neutral and non-polar, with aspartic acid, which is acidic and polar, at codon 63 of the NR2E3 protein (p.Ala63Asp).

Literature cited by the submitters: PubMed 19718767.

NM_014249.4(NR2E3):c.188C>A (p.Ala63Asp)

Gene: NR2E3 (nuclear receptor subfamily 2 group E member 3; plus strand). Cytogenetic location: 15q23.
Variant type: single nucleotide variant.
Coding change: c.188C>A on transcript NM_014249.4 (MANE Select); coding-DNA position 188, C replaced by A.
Protein change: p.Ala63Asp; replaces alanine 63 with aspartic acid.
Molecular consequence: missense variant.
Genome position (GRCh38, 1-based): chr15:71,811,552, C>A. VCF-style: chr15-71811552-C-A. GRCh37 (hg19) VCF-style: chr15-72103892-C-A.
Other names: c.188C>A, p.Ala63Asp (NM_016346.4); short protein forms A63D.
Identifiers: ClinVar variation 2137724 (VCV002137724.4), dbSNP rs2543253244, ClinGen allele CA393032077.